The following is an entry in ClinVar:

ClinVar aggregate classification (germline): Uncertain significance. Review status: criteria provided, multiple submitters, no conflicts (2 of 4 stars). 2 submissions from 2 submitters: Uncertain significance (2). Last evaluated 2025-11-26.

Conditions:
CEP164-related disorder. Also called: CEP164-related condition.
Nephronophthisis 15 (NPHP15). Identifiers: Orphanet 3156, MedGen C3541853, MONDO:0013917, OMIM 614845.

Allele frequency attached by ClinVar (database versions not stated): gnomAD 0.00001 and 0.00003; TOPMed 0.00002; ExAC 0.00013; 1000 Genomes Project 30x 0.00031; 1000 Genomes Project 0.00040.
gnomAD v4.1: 61 of 1,612,672 alleles (0.0038%); highest among the groups gnomAD compares: East Asian, 0.13%; no homozygotes.

Submissions (2):

PreventionGenetics, part of Exact Sciences
Classification: Uncertain significance for CEP164-related condition. Last evaluated: 2025-11-26. Review status: criteria provided, single submitter. Criteria: ACMG Guidelines, 2015. Collection method: clinical testing. Allele origin: germline.
Comment: The CEP164 c.4103T>C variant is predicted to result in the amino acid substitution p.Ile1368Thr. To our knowledge, this variant has not been reported in the literature. This variant is reported in 0.11% of alleles in individuals of East Asian descent in gnomAD. Although we suspect that this variant may be benign, at this time, the clinical significance of this variant is uncertain due to the absence of conclusive functional and genetic evidence.

Labcorp Genetics (formerly Invitae), Labcorp
Classification: Uncertain significance for Nephronophthisis 15. Last evaluated: 2022-09-27. Review status: criteria provided, single submitter. Criteria: Invitae Variant Classification Sherloc (09022015). Collection method: clinical testing. Allele origin: germline.
Comment: This sequence change replaces isoleucine, which is neutral and non-polar, with threonine, which is neutral and polar, at codon 1368 of the CEP164 protein (p.Ile1368Thr). This variant is present in population databases (rs180911439, gnomAD 0.09%). This variant has not been reported in the literature in individuals affected with CEP164-related conditions. ClinVar contains an entry for this variant (Variation ID: 1432968). Advanced modeling of protein sequence and biophysical properties (such as structural, functional, and spatial information, amino acid conservation, physicochemical variation, residue mobility, and thermodynamic stability) performed at Invitae indicates that this missense variant is not expected to disrupt CEP164 protein function. In summary, the available evidence is currently insufficient to determine the role of this variant in disease. Therefore, it has been classified as a Variant of Uncertain Significance.

NM_014956.5(CEP164):c.4103T>C (p.Ile1368Thr)

Gene: CEP164 (centrosomal protein 164; plus strand). Cytogenetic location: 11q23.3.
Variant type: single nucleotide variant.
Coding change: c.4103T>C on transcript NM_014956.5 (MANE Select); coding-DNA position 4103, T replaced by C.
Protein change: p.Ile1368Thr; replaces isoleucine 1368 with threonine.
Molecular consequence: missense variant.
Genome position (GRCh38, 1-based): chr11:117,410,834, T>C. VCF-style: chr11-117410834-T-C. GRCh37 (hg19) VCF-style: chr11-117281550-T-C.
Other names: c.4088T>C, p.Ile1363Thr (NM_001271933.2); c.4103T>C (NM_014956.4); short protein forms I1363T, I1368T.
Identifiers: ClinVar variation 1432968 (VCV001432968.6), dbSNP rs180911439, ClinGen allele CA6295706.